The following is an entry in ClinVar:

NM_015629.4(PRPF31):c.421-19_421-1del

Gene: PRPF31 (pre-mRNA processing factor 31; plus strand). Cytogenetic location: 19q13.42.
Variant type: Deletion.
Coding change: c.421-19_421-1del on transcript NM_015629.4 (MANE Select); 19 bases into the intron before coding-DNA position 421 through the canonical splice acceptor site of the intron before coding-DNA position 421, 19 bases deleted (CTTCTCTGCTCGCCCCCAG).
Molecular consequence: splice acceptor variant.
Genome position (GRCh38, 1-based): chr19:54,123,435-54,123,453, CTTCTCTGCTCGCCCCCAG deleted. VCF-style (leftmost placement, unchanged base first): chr19-54123434-TCTTCTCTGCTCGCCCCCAG-T. GRCh37 (hg19) VCF-style: chr19-54626813-TCTTCTCTGCTCGCCCCCAG-T.
Identifiers: ClinVar variation 1345488 (VCV001345488.6), dbSNP rs2146418475, ClinGen allele CA2573156802.

ClinVar aggregate classification (germline): Likely pathogenic (1 of 4 stars; one submission).

Submission:

Labcorp Genetics (formerly Invitae), Labcorp
Classification: Likely pathogenic. Last evaluated: 2021-08-02. Review status: criteria provided, single submitter. Criteria: Invitae Variant Classification Sherloc (09022015). Collection method: clinical testing. Allele origin: germline.
Comment: This sequence change affects a splice site in intron 5 of the PRPF31 gene. It is expected to disrupt RNA splicing. Variants that disrupt the donor or acceptor splice site typically lead to a loss of protein function (PMID: 16199547), and loss-of-function variants in PRPF31 are known to be pathogenic (PMID: 18317597, 23950152). This variant is not present in population databases (ExAC no frequency). Disruption of this splice site has been observed in individual(s) with clinical features of retinitis pigmentosa (Invitae). Algorithms developed to predict the effect of sequence changes on RNA splicing suggest that this variant may disrupt the consensus splice site. In summary, the currently available evidence indicates that the variant is pathogenic, but additional data are needed to prove that conclusively. Therefore, this variant has been classified as Likely Pathogenic.

Literature cited by the submitters: PubMed 16199547; PubMed 18317597; PubMed 23950152.